The following is an entry in ClinVar:

ClinVar aggregate classification (germline): Uncertain significance (1 of 4 stars; one submission).

Allele frequency attached by ClinVar (database versions not stated): gnomAD exomes below 0.00001; ExAC 0.00001; gnomAD 0.00001; TOPMed 0.00001; ESP Exome Variant Server 0.00008.
gnomAD v4.1: 2 of 1,612,996 alleles (0.00012%); highest among the groups gnomAD compares: African/African-American, 0.0027%; no homozygotes.

Submission:

Labcorp Genetics (formerly Invitae), Labcorp
Classification: Uncertain significance. Last evaluated: 2022-03-30. Review status: criteria provided, single submitter. Criteria: Invitae Variant Classification Sherloc (09022015). Collection method: clinical testing. Allele origin: germline.
Comment: In summary, the available evidence is currently insufficient to determine the role of this variant in disease. Therefore, it has been classified as a Variant of Uncertain Significance. Algorithms developed to predict the effect of missense changes on protein structure and function (SIFT, PolyPhen-2, Align-GVGD) all suggest that this variant is likely to be tolerated. This variant has not been reported in the literature in individuals affected with RORB-related conditions. The frequency data for this variant in the population databases is considered unreliable, as metrics indicate poor data quality at this position in the gnomAD database. This sequence change replaces leucine, which is neutral and non-polar, with serine, which is neutral and polar, at codon 314 of the RORB protein (p.Leu314Ser).

NM_006914.4(RORB):c.941T>C (p.Leu314Ser)

Gene: RORB (RAR related orphan receptor B; plus strand). Cytogenetic location: 9q21.13.
Variant type: single nucleotide variant.
Coding change: c.941T>C on transcript NM_006914.4 (MANE Select); coding-DNA position 941, T replaced by C.
Protein change: p.Leu314Ser; replaces leucine 314 with serine.
Molecular consequence: missense variant.
Genome position (GRCh38, 1-based): chr9:74,665,536, T>C. VCF-style: chr9-74665536-T-C. GRCh37 (hg19) VCF-style: chr9-77280452-T-C.
Other names: c.974T>C, p.Leu325Ser (NM_001365023.1); short protein forms L314S, L325S.
Identifiers: ClinVar variation 2119668 (VCV002119668.4), dbSNP rs143821870, ClinGen allele CA5083501.